The following is an entry in ClinVar:

ClinVar aggregate classification (germline): Uncertain significance (1 of 4 stars; one submission).

Allele frequency attached by ClinVar (database versions not stated): TOPMed 0.00001; gnomAD exomes 0.00003.
gnomAD v4.1: 38 of 1,614,100 alleles (0.0024%); highest among the groups gnomAD compares: Non-Finnish European, 0.0032%; no homozygotes.

Submission:

Labcorp Genetics (formerly Invitae), Labcorp
Classification: Uncertain significance. Last evaluated: 2021-05-09. Review status: criteria provided, single submitter. Criteria: Invitae Variant Classification Sherloc (09022015). Collection method: clinical testing. Allele origin: germline.
Comment: In summary, the available evidence is currently insufficient to determine the role of this variant in disease. Therefore, it has been classified as a Variant of Uncertain Significance. Algorithms developed to predict the effect of missense changes on protein structure and function (SIFT, PolyPhen-2, Align-GVGD) all suggest that this variant is likely to be tolerated, but these predictions have not been confirmed by published functional studies and their clinical significance is uncertain. This variant has not been reported in the literature in individuals with ANKZF1-related conditions. This variant is not present in population databases (ExAC no frequency). This sequence change replaces leucine with phenylalanine at codon 296 of the ANKZF1 protein (p.Leu296Phe). The leucine residue is moderately conserved and there is a small physicochemical difference between leucine and phenylalanine.

NM_018089.3(ANKZF1):c.888G>C (p.Leu296Phe)

Gene: ANKZF1 (ankyrin repeat and zinc finger peptidyl tRNA hydrolase 1; plus strand). Cytogenetic location: 2q35.
Variant type: single nucleotide variant.
Coding change: c.888G>C on transcript NM_018089.3 (MANE Select); coding-DNA position 888, G replaced by C.
Protein change: p.Leu296Phe; replaces leucine 296 with phenylalanine.
Molecular consequence: missense variant.
Genome position (GRCh38, 1-based): chr2:219,233,783, G>C. VCF-style: chr2-219233783-G-C. GRCh37 (hg19) VCF-style: chr2-220098505-G-C.
Other names: c.888G>C, p.Leu296Phe (NM_001042410.2); c.258G>C, p.Leu86Phe (NM_001282792.2); short protein forms L86F, L296F.
Identifiers: ClinVar variation 1408829 (VCV001408829.8), dbSNP rs1183394342, ClinGen allele CA350677341.